The following is an entry in ClinVar:

ClinVar aggregate classification (germline): Uncertain significance (1 of 4 stars; one submission).

Conditions:
Cohen syndrome (COH1). Also called: PEPPER SYNDROME; Cutis verticis gyrata, retinitis pigmentosa, and sensorineural deafness. Identifiers: Orphanet 193, MedGen C0265223, MONDO:0008999, OMIM 216550.

Submission:

Labcorp Genetics (formerly Invitae), Labcorp
Classification: Uncertain significance for Cohen syndrome. Last evaluated: 2025-05-07. Review status: criteria provided, single submitter. Criteria: Invitae Variant Classification Sherloc (09022015). Collection method: clinical testing. Allele origin: germline.
Comment: This sequence change replaces histidine, which is basic and polar, with tyrosine, which is neutral and polar, at codon 3789 of the VPS13B protein (p.His3789Tyr). This variant is not present in population databases (gnomAD no frequency). This variant has not been reported in the literature in individuals affected with VPS13B-related conditions. Invitae Evidence Modeling of protein sequence and biophysical properties (such as structural, functional, and spatial information, amino acid conservation, physicochemical variation, residue mobility, and thermodynamic stability) indicates that this missense variant is not expected to disrupt VPS13B protein function with a negative predictive value of 80%. In summary, the available evidence is currently insufficient to determine the role of this variant in disease. Therefore, it has been classified as a Variant of Uncertain Significance.

NM_152564.5(VPS13B):c.11290C>T (p.His3764Tyr)

Gene: VPS13B (vacuolar protein sorting 13 homolog B; plus strand). Cytogenetic location: 8q22.2.
Variant type: single nucleotide variant.
Coding change: c.11290C>T on transcript NM_152564.5 (MANE Select); coding-DNA position 11290, C replaced by T.
Protein change: p.His3764Tyr; replaces histidine 3764 with tyrosine.
Molecular consequence: missense variant.
Genome position (GRCh38, 1-based): chr8:99,868,363, C>T. VCF-style: chr8-99868363-C-T. GRCh37 (hg19) VCF-style: chr8-100880591-C-T.
Other names: c.11365C>T, p.His3789Tyr (NM_017890.5); short protein forms H3789Y, H3764Y.
Identifiers: ClinVar variation 4744170 (VCV004744170.1).
Genomic context (GRCh38, chr8:99,868,363, plus strand): 5'-ATAGTTGATCAGCCGATGCAGAACTTCCAGAAAACATCTGAGGCACAGGCTTCAGCAGGA[C>T]ACAAGGCCAAGGGTGTCATCTCGGGTGTGGGGAAAGGAATCATGGGGGTGTTCACAAAGC-3'
Protein context (NP_689777.3, residues 3754-3774): KTSEAQASAG[His3764Tyr]KAKGVISGVG